The following continues an entry in ClinVar:

NM_000092.5(COL4A4):c.2690G>A (p.Gly897Glu)

Gene: COL4A4. ClinVar aggregate classification (germline): Pathogenic/Likely pathogenic. Pathogenic (11); Likely pathogenic (4).

Submissions 11 to 19 of 19:

Dasa
Classification: Likely pathogenic. Last evaluated: 2024-07-30. Review status: criteria provided, single submitter. Criteria: DASA Assertion Criteria. Collection method: clinical testing. Allele origin: germline.
Comment: NM_000092.5(COL4A4):c.2690G>A (p.Gly897Glu) is a missense variant that results in the substitution of glycine with glutamic acid. This variant has been reported in individuals with COL4A4-related disorders (PMID: 8787673). Segregation data support an association with disease in the reported family/families (PMID: 8787673). Also, this variant is rare in population databases. Computational evidence supports a deleterious effect. Based on the currently available evidence, this variant is classified as likely pathogenic.

Fulgent Genetics
Classification: Pathogenic for Hematuria, benign familial, 1; Autosomal recessive Alport syndrome. Last evaluated: 2024-03-03. Review status: criteria provided, single submitter. Criteria: ACMG Guidelines, 2015. Collection method: clinical testing. Allele origin: germline.

Institute of Human Genetics Munich, TUM University Hospital
Classification: Likely pathogenic for Hematuria, benign familial, 1. Last evaluated: 2022-03-14. Review status: criteria provided, single submitter. Criteria: Classification criteria August 2017. Collection method: clinical testing. Allele origin: germline. Inheritance: Autosomal dominant inheritance. Affected: yes. Observed: 1 variant allele.

Centre for Mendelian Genomics, University Medical Centre Ljubljana
Classification: Likely pathogenic for Hematuria, benign familial, 1. Last evaluated: 2018-12-10. Review status: criteria provided, single submitter. Criteria: ACMG Guidelines, 2015. Collection method: clinical testing. Allele origin: unknown. Affected: yes.
Comment: This variant was classified as: Likely pathogenic. The following ACMG criteria were applied in classifying this variant: PS1,PM2,PP3.

Athena Diagnostics
Classification: Pathogenic. Last evaluated: 2018-06-20. Review status: criteria provided, single submitter. Criteria: Athena Diagnostics Criteria. Collection method: clinical testing. Allele origin: germline.

Counsyl
Classification: Likely pathogenic for Autosomal recessive Alport syndrome. Last evaluated: 2017-04-12. Review status: no assertion criteria provided. Collection method: clinical testing. Allele origin: unknown. Not counted in ClinVar's aggregate classification.

OMIM
Classification: Pathogenic for HEMATURIA, BENIGN FAMILIAL, 1. Last evaluated: 1996-09-01. Review status: no assertion criteria provided. Collection method: literature only. Allele origin: germline. Not counted in ClinVar's aggregate classification.

Genome Diagnostics Laboratory, University Medical Center Utrecht
Classification: Pathogenic. Review status: no assertion criteria provided. Collection method: clinical testing. Allele origin: germline. Affected: yes. Study: VKGL Data-share Consensus. Not counted in ClinVar's aggregate classification.

Joint Genome Diagnostic Labs from Nijmegen and Maastricht, Radboudumc and MUMC+
Classification: Pathogenic. Review status: no assertion criteria provided. Collection method: clinical testing. Allele origin: germline. Affected: yes. Study: VKGL Data-share Consensus. Not counted in ClinVar's aggregate classification.

Literature cited by the submitters: PubMed 8787673 (cited by 7 submitters); PubMed 14582039 (cited by 3 submitters); PubMed 26809805 (cited by 5 submitters); PubMed 36117978 (cited by Centre de Génétique Humaine, Institut de Pathologie Et de Génétique and Natera, Inc.); PubMed 36925663 (cited by Centre de Génétique Humaine, Institut de Pathologie Et de Génétique); PubMed 37097554 (cited by Natera, Inc.).